The following is an entry in ClinVar:

ClinVar aggregate classification (germline): Pathogenic (1 of 4 stars; one submission).

Submission:

GeneDx
Classification: Pathogenic. Last evaluated: 2025-10-03. Review status: criteria provided, single submitter. Criteria: GeneDx Variant Classification Process June 2021. Collection method: clinical testing. Allele origin: germline.
Comment: Has not been previously published as pathogenic or benign to our knowledge; Not observed at significant frequency in large population cohorts (gnomAD); In silico analysis supports that this missense variant has a deleterious effect on protein structure/function

NM_004187.5(KDM5C):c.2230C>T (p.Arg744Trp)

Gene: KDM5C (lysine demethylase 5C; minus strand). Cytogenetic location: Xp11.22.
Variant type: single nucleotide variant.
Coding change: c.2230C>T on transcript NM_004187.5 (MANE Select); coding-DNA position 2230, C replaced by T.
Protein change: p.Arg744Trp; replaces arginine 744 with tryptophan.
Molecular consequence: missense variant. On other transcripts: non-coding transcript variant (3).
Genome position (GRCh38, 1-based): chrX:53,198,990, G>A on the plus strand (C>T on the coding strand, the complement: KDM5C is on the minus strand). VCF-style: chrX-53198990-G-A. GRCh37 (hg19) VCF-style: chrX-53228172-G-A.
Other names: c.2029C>T, p.Arg677Trp (NM_001146702.2); c.2227C>T, p.Arg743Trp (NM_001282622.3, NM_001353979.2, NM_001353982.2); c.2230C>T, p.Arg744Trp (NM_001353978.3, NM_001353981.2, NM_001353984.2); short protein forms R677W, R743W, R744W.
Identifiers: ClinVar variation 3342776 (VCV003342776.2).